The following is an entry in ClinVar:

ClinVar aggregate classification (germline): Uncertain significance (1 of 4 stars; one submission).

Conditions:
Epidermodysplasia verruciformis. Identifiers: Orphanet 302, MedGen C0014522, MONDO:0009176.

Submission:

Labcorp Genetics (formerly Invitae), Labcorp
Classification: Uncertain significance for Epidermodysplasia verruciformis. Last evaluated: 2019-07-30. Review status: criteria provided, single submitter. Criteria: Invitae Variant Classification Sherloc (09022015). Collection method: clinical testing. Allele origin: germline.
Comment: This sequence change falls in intron 2 of the TMC8 gene. It does not directly change the encoded amino acid sequence of the TMC8 protein, but it affects a nucleotide within the consensus splice site of the intron. The frequency data for this variant in the population databases is considered unreliable, as metrics indicate insufficient coverage at this position in the ExAC database. This variant has not been reported in the literature in individuals with TMC8-related conditions. Nucleotide substitutions within the consensus splice site are a relatively common cause of aberrant splicing (PMID: 17576681, 9536098). Algorithms developed to predict the effect of sequence changes on RNA splicing suggest that this variant may disrupt the consensus splice site, but this prediction has not been confirmed by published transcriptional studies. In summary, the available evidence is currently insufficient to determine the role of this variant in disease. Therefore, it has been classified as a Variant of Uncertain Significance.

NM_152468.5(TMC8):c.150-3del

Genes: TMC6 (transmembrane channel like 6; minus strand), TMC8 (transmembrane channel like 8; plus strand), LOC130061792 (ATAC-STARR-seq lymphoblastoid silent region 9043; plus strand). Cytogenetic location: 17q25.3.
Variant type: Deletion.
Coding change: c.150-3del on transcript NM_152468.5 (MANE Select); 3 bases into the intron before coding-DNA position 150, one base deleted (C; older notation c.150-3delC).
Molecular consequence: intron variant.
Genome position (GRCh38, 1-based): chr17:78,131,879, C deleted; the last of 2 consecutive C bases (chr17:78,131,878-78,131,879); deleting either gives the same sequence. VCF-style (leftmost placement, unchanged base first): chr17-78131877-TC-T. GRCh37 (hg19) VCF-style: chr17-76127958-TC-T.
Other names: c.-75+463del (NM_007267.7).
Identifiers: ClinVar variation 948577 (VCV000948577.3), dbSNP rs1297138292, ClinGen allele CA775321666.